The following is an entry in ClinVar:

NM_007294.4(BRCA1):c.76A>T (p.Ile26Phe)

Gene: BRCA1 (BRCA1 DNA repair associated; minus strand). Cytogenetic location: 17q21.31.
Variant type: single nucleotide variant.
Coding change: c.76A>T on transcript NM_007294.4 (MANE Select); coding-DNA position 76, A replaced by T.
Protein change: p.Ile26Phe; replaces isoleucine 26 with phenylalanine.
Molecular consequence: missense variant. On other transcripts: 5 prime UTR variant (1), non-coding transcript variant (1).
Genome position (GRCh38, 1-based): chr17:43,124,021, T>A on the plus strand (A>T on the coding strand, the complement: BRCA1 is on the minus strand). VCF-style: chr17-43124021-T-A. GRCh37 (hg19) VCF-style: chr17-41276038-T-A.
Other names: c.-185A>T (NM_001407752.1, NM_001407838.1, NM_001407847.1 and 22 more transcripts); c.-62A>T (NM_001407841.1); c.-182A>T (NM_001407842.1, NM_001407843.1, NM_001407930.1 and 11 more transcripts); c.-12A>T (NM_001407845.1, NM_001407849.1, NM_001407852.1 and 23 more transcripts); c.-211A>T (NM_001407846.1, NM_001407920.1, NM_001407697.1); c.-113A>T (NM_001407853.1, NM_001407879.1, NM_001407882.1 and 46 more transcripts); c.76A>T, p.Ile26Phe (NM_001407854.1, NM_001407858.1, NM_001407859.1 and 193 more transcripts); c.-59A>T (NM_001407881.1, NM_001407898.1, NM_001407902.1); and 8 more; short protein forms I26F.
Identifiers: ClinVar variation 827206 (VCV000827206.14), dbSNP rs1597923170, ClinGen allele CA10602005.
Genomic context (GRCh38, chr17:43,124,021, plus strand): 5'-TTGCATAGGAGATAATCATAGGAATCCCAAATTAATACACTCTTGTGCTGACTTACCAGA[T>A]GGGACACTCTAAGATTTTCTGCATAGCATTAATGACATTTTGTACTTCTTCAACGCGAAG-3'
Protein context (NP_009225.1, residues 16-36): NAMQKILECP[Ile26Phe]CLELIKEPVS

ClinVar aggregate classification (germline): Uncertain significance. Review status: criteria provided, multiple submitters, no conflicts (2 of 4 stars). 2 submissions from 2 submitters: Uncertain significance (2). Last evaluated 2020-05-25.

Conditions:
Hereditary cancer-predisposing syndrome. Also called: Neoplastic Syndromes, Hereditary; Tumor predisposition; Hereditary neoplastic syndrome; Hereditary Cancer Syndrome. Identifiers: Orphanet 140162, MedGen C0027672, MeSH D009386, MONDO:0015356.
Hereditary breast ovarian cancer syndrome. Also called: Hereditary breast and ovarian cancer syndrome; Hereditary breast and ovarian cancer; Hereditary breast and ovarian cancer syndrome (HBOC); Breast and ovarian cancer; Hereditary breast and/or ovarian cancer syndrome; BRCA1- and BRCA2-Associated Hereditary Breast and Ovarian Cancer. Identifiers: Orphanet 145, MedGen C0677776, MeSH D061325, MONDO:0003582. Disease mechanism: loss of function.

Submissions (2):

Labcorp Genetics (formerly Invitae), Labcorp
Classification: Uncertain significance for Hereditary breast ovarian cancer syndrome. Last evaluated: 2020-05-25. Review status: criteria provided, single submitter. Criteria: Invitae Variant Classification Sherloc (09022015). Collection method: clinical testing. Allele origin: germline.
Comment: In summary, the available evidence is currently insufficient to determine the role of this variant in disease. Therefore, it has been classified as a Variant of Uncertain Significance. Algorithms developed to predict the effect of missense changes on protein structure and function are either unavailable or do not agree on the potential impact of this missense change (SIFT: "Deleterious"; PolyPhen-2: "Probably Damaging"; Align-GVGD: "Class C0"). This variant has not been reported in the literature in individuals with BRCA1-related conditions. ClinVar contains an entry for this variant (Variation ID: 827206). This variant is not present in population databases (ExAC no frequency). This sequence change replaces isoleucine with phenylalanine at codon 26 of the BRCA1 protein (p.Ile26Phe). The isoleucine residue is highly conserved and there is a small physicochemical difference between isoleucine and phenylalanine.

Ambry Genetics
Classification: Uncertain significance for Hereditary cancer-predisposing syndrome. Last evaluated: 2019-06-29. Review status: criteria provided, single submitter. Criteria: Ambry Variant Classification Scheme 2023. Collection method: clinical testing. Allele origin: germline.
Comment: The p.I26F variant (also known as c.76A>T), located in coding exon 1 of the BRCA1 gene, results from an A to T substitution at nucleotide position 76. The isoleucine at codon 26 is replaced by phenylalanine, an amino acid with highly similar properties. This amino acid position is highly conserved in available vertebrate species. In addition, this alteration is predicted to be deleterious by in silico analysis. Since supporting evidence is limited at this time, the clinical significance of this alteration remains unclear.